The following is an entry in ClinVar:

NM_015559.3(SETBP1):c.695C>T (p.Thr232Ile)

Gene: SETBP1 (SET binding protein 1; plus strand). Cytogenetic location: 18q12.3.
Variant type: single nucleotide variant.
Coding change: c.695C>T on transcript NM_015559.3 (MANE Select); coding-DNA position 695, C replaced by T.
Protein change: p.Thr232Ile; replaces threonine 232 with isoleucine.
Molecular consequence: missense variant.
Genome position (GRCh38, 1-based): chr18:44,950,035, C>T. VCF-style: chr18-44950035-C-T. GRCh37 (hg19) VCF-style: chr18-42530000-C-T.
Other names: c.695C>T, p.Thr232Ile (NM_001379141.1, NM_001379142.1); short protein forms T232I.
Identifiers: ClinVar variation 1312520 (VCV001312520.2), dbSNP rs770504929, ClinGen allele CA299696211.

ClinVar aggregate classification (germline): Uncertain significance (1 of 4 stars; one submission).

Allele frequency attached by ClinVar (database versions not stated): gnomAD exomes below 0.00001.
gnomAD v4.1: 7 of 1,614,236 alleles (0.00043%); highest among the groups gnomAD compares: African/African-American, 0.0027%; no homozygotes.

Submission:

GeneDx
Classification: Uncertain significance. Last evaluated: 2020-01-28. Review status: criteria provided, single submitter. Criteria: GeneDx Variant Classification Process June 2021. Collection method: clinical testing. Allele origin: germline. Affected: yes.
Comment: In silico analysis, which includes protein predictors and evolutionary conservation, supports that this variant does not alter protein structure/function; Has not been previously published as pathogenic or benign to our knowledge